The following is an entry in ClinVar:

ClinVar aggregate classification (germline): Uncertain significance (1 of 4 stars; one submission).

Conditions:
Anophthalmia-microphthalmia syndrome. Also called: Anophthalmia/Microphthalmia; Anophthalmia - microphthalmia. Identifiers: Orphanet 98555, MedGen C5680330, MONDO:0020147.

Submission:

Labcorp Genetics (formerly Invitae), Labcorp
Classification: Uncertain significance for Anophthalmia-microphthalmia syndrome. Last evaluated: 2024-05-22. Review status: criteria provided, single submitter. Criteria: Invitae Variant Classification Sherloc (09022015). Collection method: clinical testing. Allele origin: germline.
Comment: This sequence change replaces glutamine, which is neutral and polar, with glutamic acid, which is acidic and polar, at codon 101 of the OTX2 protein (p.Gln101Glu). This variant is not present in population databases (gnomAD no frequency). This variant has not been reported in the literature in individuals affected with OTX2-related conditions. An algorithm developed to predict the effect of missense changes on protein structure and function (PolyPhen-2) suggests that this variant is likely to be tolerated. In summary, the available evidence is currently insufficient to determine the role of this variant in disease. Therefore, it has been classified as a Variant of Uncertain Significance.

NM_021728.4(OTX2):c.325C>G (p.Gln109Glu)

Gene: OTX2 (orthodenticle homeobox 2; minus strand). Cytogenetic location: 14q22.3.
Variant type: single nucleotide variant.
Coding change: c.325C>G on transcript NM_021728.4 (MANE Select); coding-DNA position 325, C replaced by G.
Protein change: p.Gln109Glu; replaces glutamine 109 with glutamic acid.
Molecular consequence: missense variant. On other transcripts: non-coding transcript variant (2).
Genome position (GRCh38, 1-based): chr14:56,802,304, G>C on the plus strand (C>G on the coding strand, the complement: OTX2 is on the minus strand). VCF-style: chr14-56802304-G-C. GRCh37 (hg19) VCF-style: chr14-57269022-G-C.
Other names: c.301C>G, p.Gln101Glu (NM_001270523.2, NM_001270524.2, NM_172337.3); c.325C>G, p.Gln109Glu (NM_001270525.2); short protein forms Q109E, Q101E.
Identifiers: ClinVar variation 3654156 (VCV003654156.2).
Genomic context (GRCh38, chr14:56,802,304, plus strand): 5'-CTTCCCGAGCTGGAGATGTCTTCTTTTTGGCAGGTCTCACTTTGTTTTGACCTCCATTCT[G>C]CTGTTGTTGCTGTTGTTGGCGGCACTTAGCTCTTCGATTCTTAAACCATACCTTGGAAGG-3'
Protein context (NP_068374.1, residues 99-119): AKCRQQQQQQ[Gln109Glu]NGGQNKVRPA